The following is an entry in ClinVar:

ClinVar aggregate classification (germline): Uncertain significance (1 of 4 stars; one submission).

Submission:

Labcorp Genetics (formerly Invitae), Labcorp
Classification: Uncertain significance. Last evaluated: 2019-05-08. Review status: criteria provided, single submitter. Criteria: Invitae Variant Classification Sherloc (09022015). Collection method: clinical testing. Allele origin: germline.
Comment: This sequence change results in a frameshift in the SZT2 gene (p.Val3362Serfs*52). While this is not anticipated to result in nonsense mediated decay, it is expected to disrupt the last 14 amino acids of the SZT2 protein and extend the protein by an additional 37 amino acids. This variant is not present in population databases (ExAC no frequency). In summary, the available evidence is currently insufficient to determine the role of this variant in disease. Therefore, it has been classified as a Variant of Uncertain Significance. Experimental studies and prediction algorithms are not available for this variant, and the functional significance of the affected amino acid(s) is currently unknown. This variant has not been reported in the literature in individuals with SZT2-related conditions.

NM_001365999.1(SZT2):c.10254_10257del (p.Val3419fs)

Gene: SZT2 (SZT2 subunit of KICSTOR complex; plus strand). Cytogenetic location: 1p34.2.
Variant type: Deletion.
Coding change: c.10254_10257del on transcript NM_001365999.1 (MANE Select); coding-DNA positions 10254 to 10257, 4 bases deleted (TGTC; older notation c.10254_10257delTGTC).
Protein change: p.Val3419fs; shifts the reading frame from valine 3419.
Molecular consequence: frameshift variant.
Genome position (GRCh38, 1-based): chr1:43,450,435-43,450,438, TGTC deleted; deleting any 4 consecutive bases within chr1:43,450,432-43,450,438 gives the same sequence; the c. name uses the placement nearest the transcript's 3' end. VCF-style (leftmost placement, unchanged base first): chr1-43450431-AGTCT-A. GRCh37 (hg19) VCF-style: chr1-43916102-AGTCT-A.
Other names: c.10083_10086del, p.Val3362fs (NM_015284.4); short protein forms V3419fs, V3362fs.
Identifiers: ClinVar variation 857743 (VCV000857743.8), dbSNP rs1656260575, ClinGen allele CA916082024.
Genomic context (GRCh38, chr1:43,450,431, plus strand): 5'-TACAGCCCCAGGACAGCGAGAGCCCCCCTGCCCAACTGGTCTCCACCTACCACCACCTGG[AGTCT>A]GTCATCAACACAGCCTGTTTCACCCTCTGGACCCGCCTCCTCTGAGGGAGTGGACTGGAC-3'